The following is an entry in ClinVar:

NM_004304.5(ALK):c.1060C>G (p.His354Asp)

Gene: ALK (ALK receptor tyrosine kinase; minus strand). Cytogenetic location: 2p23.2.
Variant type: single nucleotide variant.
Coding change: c.1060C>G on transcript NM_004304.5 (MANE Select); coding-DNA position 1060, C replaced by G.
Protein change: p.His354Asp; replaces histidine 354 with aspartic acid.
Molecular consequence: missense variant.
Genome position (GRCh38, 1-based): chr2:29,532,009, G>C on the plus strand (C>G on the coding strand, the complement: ALK is on the minus strand). VCF-style: chr2-29532009-G-C. GRCh37 (hg19) VCF-style: chr2-29754875-G-C.
Other names: short protein forms H354D.
Identifiers: ClinVar variation 1350379 (VCV001350379.11), dbSNP rs1490289892, ClinGen allele CA346587361.

ClinVar aggregate classification (germline): Conflicting classifications of pathogenicity. Review status: criteria provided, conflicting classifications (1 of 4 stars). 2 submissions from 2 submitters: Uncertain significance (1); Likely benign (1). Last evaluated 2025-09-24.

Conditions:
Neuroblastoma, susceptibility to, 3. Also called: ALK-Related Neuroblastic Tumor Susceptibility. Identifiers: Orphanet 635, MedGen C2751681, MONDO:0013083, OMIM 613014.
Hereditary cancer-predisposing syndrome. Also called: Hereditary Cancer Syndrome; Neoplastic Syndromes, Hereditary; Tumor predisposition; Hereditary neoplastic syndrome. Identifiers: Orphanet 140162, MedGen C0027672, MeSH D009386, MONDO:0015356.

Submissions (2):

Ambry Genetics
Classification: Likely benign for Hereditary cancer-predisposing syndrome. Last evaluated: 2025-09-24. Review status: criteria provided, single submitter. Criteria: Ambry Variant Classification Scheme 2023. Collection method: clinical testing. Allele origin: germline.

Labcorp Genetics (formerly Invitae), Labcorp
Classification: Uncertain significance for Neuroblastoma, susceptibility to, 3. Last evaluated: 2021-04-30. Review status: criteria provided, single submitter. Criteria: Invitae Variant Classification Sherloc (09022015). Collection method: clinical testing. Allele origin: germline.
Comment: This variant has not been reported in the literature in individuals with ALK-related conditions. Algorithms developed to predict the effect of missense changes on protein structure and function output the following: SIFT: "Deleterious"; PolyPhen-2: "Possibly Damaging"; Align-GVGD: "Class C0". The aspartic acid amino acid residue is found in multiple mammalian species, suggesting that this missense change does not adversely affect protein function. These predictions have not been confirmed by published functional studies and their clinical significance is uncertain. In summary, the available evidence is currently insufficient to determine the role of this variant in disease. Therefore, it has been classified as a Variant of Uncertain Significance. This variant is not present in population databases (ExAC no frequency). This sequence change replaces histidine with aspartic acid at codon 354 of the ALK protein (p.His354Asp). The histidine residue is moderately conserved and there is a moderate physicochemical difference between histidine and aspartic acid.